The following is an entry in ClinVar:

ClinVar aggregate classification (germline): Uncertain significance. Review status: criteria provided, single submitter (1 of 4 stars). 2 submissions from 2 submitters: Uncertain significance (1). 1 of the submissions does not count toward it. Last evaluated 2024-01-17.

Conditions:
ANKRD26-related disorder. Also called: ANKRD26-related condition.

Allele frequency attached by ClinVar (database versions not stated): ExAC 0.00001; gnomAD exomes 0.00001.

Submissions (2):

GeneDx
Classification: Uncertain significance. Last evaluated: 2024-01-17. Review status: criteria provided, single submitter. Criteria: GeneDx Variant Classification Process June 2021. Collection method: clinical testing. Allele origin: germline. Affected: yes.
Comment: Not observed at significant frequency in large population cohorts (gnomAD); Has not been previously published as pathogenic or benign to our knowledge; In silico analysis is inconclusive as to whether the variant alters gene splicing. In the absence of RNA/functional studies, the actual effect of this sequence change is unknown.

PreventionGenetics, part of Exact Sciences
Classification: Likely benign for ANKRD26-related condition. Last evaluated: 2021-12-08. Review status: no assertion criteria provided. Collection method: clinical testing. Allele origin: germline. Not counted in ClinVar's aggregate classification.
Comment: This variant is classified as likely benign based on ACMG/AMP sequence variant interpretation guidelines (Richards et al. 2015 PMID: 25741868, with internal and published modifications).

NM_014915.3(ANKRD26):c.1462+4del

Gene: ANKRD26 (ankyrin repeat domain containing 26; minus strand). Cytogenetic location: 10p12.1.
Variant type: Deletion.
Coding change: c.1462+4del on transcript NM_014915.3 (MANE Select); 4 bases into the intron after coding-DNA position 1462, one base deleted (T; older notation c.1462+4delT).
Molecular consequence: intron variant.
Genome position (GRCh38, 1-based): chr10:27,061,140, A deleted on the plus strand (T on the coding strand, the reverse complement: ANKRD26 is on the minus strand). VCF-style (leftmost placement, unchanged base first): chr10-27061139-CA-C. GRCh37 (hg19) VCF-style: chr10-27350068-CA-C.
Other names: c.1462+4del (NM_001256053.2).
Identifiers: ClinVar variation 3061272 (VCV003061272.3), dbSNP rs757678808, ClinGen allele CA5448546.